The following is an entry in ClinVar:

ClinVar aggregate classification (germline): Uncertain significance (1 of 4 stars; one submission).

gnomAD v4.1: 5 of 1,609,402 alleles (0.00031%); highest among the groups gnomAD compares: Non-Finnish European, 0.00043%; no homozygotes.

Submission:

CeGaT Center for Human Genetics Tuebingen
Classification: Uncertain significance. Last evaluated: 2022-11-01. Review status: criteria provided, single submitter. Criteria: CeGaT Center For Human Genetics Tuebingen Variant Classification Criteria Version 2. Collection method: clinical testing. Allele origin: germline. Affected: yes. Observed: 1 variant allele.
Comment: TRPA1: PM2

NM_007332.3(TRPA1):c.1257T>A (p.Tyr419Ter)

Genes: TRPA1 (transient receptor potential cation channel subfamily A member 1; minus strand), MSC-AS1 (MSC antisense RNA 1; plus strand). Cytogenetic location: 8q21.11.
Variant type: single nucleotide variant.
Coding change: c.1257T>A on transcript NM_007332.3 (MANE Select); coding-DNA position 1257, T replaced by A.
Protein change: p.Tyr419Ter; replaces tyrosine 419 with a stop codon.
Molecular consequence: nonsense. On other transcripts: non-coding transcript variant (2).
Genome position (GRCh38, 1-based): chr8:72,055,793, A>T on the plus strand (T>A on the coding strand, the complement: TRPA1 is on the minus strand). VCF-style: chr8-72055793-A-T. GRCh37 (hg19) VCF-style: chr8-72968028-A-T.
Other names: short protein forms Y419*.
Identifiers: ClinVar variation 1879716 (VCV001879716.29), dbSNP rs1272409236, ClinGen allele CA371482521.